The following is an entry in ClinVar:

NM_005422.4(TECTA):c.2012G>A (p.Cys671Tyr)

Genes: TECTA (tectorin alpha; plus strand), TBCEL-TECTA (TBCEL-TECTA readthrough; plus strand). Cytogenetic location: 11q23.3.
Variant type: single nucleotide variant.
Coding change: c.2012G>A on transcript NM_005422.4 (MANE Select); coding-DNA position 2012, G replaced by A.
Protein change: p.Cys671Tyr; replaces cysteine 671 with tyrosine.
Molecular consequence: missense variant.
Genome position (GRCh38, 1-based): chr11:121,127,989, G>A. VCF-style: chr11-121127989-G-A. GRCh37 (hg19) VCF-style: chr11-120998698-G-A.
Other names: c.2969G>A, p.Cys990Tyr (NM_001378761.1); short protein forms C671Y, C990Y.
Identifiers: ClinVar variation 1333705 (VCV001333705.1), dbSNP rs2135081400, ClinGen allele CA383013977.

ClinVar aggregate classification (germline): Uncertain significance (1 of 4 stars; one submission).

Conditions:
Autosomal dominant nonsyndromic hearing loss 12. Also called: DEAFNESS, AUTOSOMAL DOMINANT 8. Identifiers: Orphanet 90635, MedGen C1832187, MONDO:0011102, OMIM 601543.

Submission:

3billion
Classification: Uncertain significance for Autosomal dominant nonsyndromic hearing loss 12. Last evaluated: 2022-01-03. Review status: criteria provided, single submitter. Criteria: ACMG Guidelines, 2015. Collection method: clinical testing. Allele origin: germline. Affected: yes. Observed: 1 heterozygote.
Comment: The variant is not observed in the gnomAD v2.1.1 dataset (PM2_M). In silico tool predictions suggest damaging effect of the variant on gene or gene product (REVEL: 0.78, PP3_P). Therefore, this variant is classified as uncertain significance according to the recommendation of ACMG/AMP guideline.